The following is an entry in ClinVar:

ClinVar aggregate classification (germline): Uncertain significance (1 of 4 stars; one submission).

gnomAD v4.1: 1 of 1,614,222 alleles (0.000062%); highest among the groups gnomAD compares: Non-Finnish European, 0.000085%; no homozygotes.

Submission:

CeGaT Center for Human Genetics Tuebingen
Classification: Uncertain significance. Last evaluated: 2025-10-01. Review status: criteria provided, single submitter. Criteria: CeGaT Center For Human Genetics Tuebingen Variant Classification Criteria Version 2. Collection method: clinical testing. Allele origin: germline. Affected: yes. Observed: 1 variant allele.
Comment: HIVEP2: PM2, BP4

NM_006734.4(HIVEP2):c.3611C>T (p.Ala1204Val)

Gene: HIVEP2 (HIVEP zinc finger 2; minus strand). Cytogenetic location: 6q24.2.
Variant type: single nucleotide variant.
Coding change: c.3611C>T on transcript NM_006734.4 (MANE Select); coding-DNA position 3611, C replaced by T.
Protein change: p.Ala1204Val; replaces alanine 1204 with valine.
Molecular consequence: missense variant.
Genome position (GRCh38, 1-based): chr6:142,771,128, G>A on the plus strand (C>T on the coding strand, the complement: HIVEP2 is on the minus strand). VCF-style: chr6-142771128-G-A. GRCh37 (hg19) VCF-style: chr6-143092265-G-A.
Other names: c.3611C>T, p.Ala1204Val (NM_001438449.1, NM_001438450.1, NM_001438451.1); short protein forms A1204V.
Identifiers: ClinVar variation 4534993 (VCV004534993.6).